The following is an entry in ClinVar:

ClinVar aggregate classification (germline): Uncertain significance (1 of 4 stars; one submission).

Submission:

Labcorp Genetics (formerly Invitae), Labcorp
Classification: Uncertain significance. Last evaluated: 2023-04-07. Review status: criteria provided, single submitter. Criteria: Invitae Variant Classification Sherloc (09022015). Collection method: clinical testing. Allele origin: germline.
Comment: This variant is not present in population databases (gnomAD no frequency). In summary, the available evidence is currently insufficient to determine the role of this variant in disease. Therefore, it has been classified as a Variant of Uncertain Significance. An algorithm developed to predict the effect of missense changes on protein structure and function (PolyPhen-2) suggests that this variant is likely to be disruptive. This variant has not been reported in the literature in individuals affected with IMPG1-related conditions. This sequence change replaces glutamine, which is neutral and polar, with proline, which is neutral and non-polar, at codon 604 of the IMPG1 protein (p.Gln604Pro).

NM_001563.4(IMPG1):c.1811A>C (p.Gln604Pro)

Gene: IMPG1 (interphotoreceptor matrix proteoglycan 1; minus strand). Cytogenetic location: 6q14.1.
Variant type: single nucleotide variant.
Coding change: c.1811A>C on transcript NM_001563.4 (MANE Select); coding-DNA position 1811, A replaced by C.
Protein change: p.Gln604Pro; replaces glutamine 604 with proline.
Molecular consequence: missense variant.
Genome position (GRCh38, 1-based): chr6:75,950,575, T>G on the plus strand (A>C on the coding strand, the complement: IMPG1 is on the minus strand). VCF-style: chr6-75950575-T-G. GRCh37 (hg19) VCF-style: chr6-76660292-T-G.
Other names: c.1577A>C, p.Gln526Pro (NM_001282368.2); short protein forms Q526P, Q604P.
Identifiers: ClinVar variation 2853484 (VCV002853484.3), dbSNP rs2535896900, ClinGen allele CA364776473.